The following is an entry in ClinVar:

ClinVar aggregate classification (germline): Likely benign (0 of 4 stars; one submission).

Conditions:
MMP3-related disorder. Also called: MMP3-related condition.

Allele frequency attached by ClinVar (database versions not stated): ExAC 0.00002; gnomAD exomes 0.00002; gnomAD 0.00003; TOPMed 0.00003; ESP Exome Variant Server 0.00015.
gnomAD v4.1: 36 of 1,613,318 alleles (0.0022%); highest among the groups gnomAD compares: Non-Finnish European, 0.003%; no homozygotes.

Submission:

PreventionGenetics, part of Exact Sciences
Classification: Likely benign for MMP3-related condition. Last evaluated: 2019-03-27. Review status: no assertion criteria provided. Collection method: clinical testing. Allele origin: germline.
Comment: This variant is classified as likely benign based on ACMG/AMP sequence variant interpretation guidelines (Richards et al. 2015 PMID: 25741868, with internal and published modifications).

NM_002422.5(MMP3):c.626-3T>C

Gene: MMP3 (matrix metallopeptidase 3; minus strand). Cytogenetic location: 11q22.2.
Variant type: single nucleotide variant.
Coding change: c.626-3T>C on transcript NM_002422.5 (MANE Select); 3 bases into the intron before coding-DNA position 626, T replaced by C.
Molecular consequence: intron variant.
Genome position (GRCh38, 1-based): chr11:102,840,596, A>G on the plus strand (T>C on the coding strand, the complement: MMP3 is on the minus strand). VCF-style: chr11-102840596-A-G. GRCh37 (hg19) VCF-style: chr11-102711327-A-G.
Identifiers: ClinVar variation 3058044 (VCV003058044.2), dbSNP rs376063834, ClinGen allele CA6251037.